The following is an entry in ClinVar:

ClinVar aggregate classification (germline): Uncertain significance. Review status: criteria provided, multiple submitters, no conflicts (2 of 4 stars). 2 submissions from 2 submitters: Uncertain significance (2). Last evaluated 2021-08-30.

Conditions:
Muscular dystrophy-dystroglycanopathy (congenital with brain and eye anomalies), type A9. Also called: WALKER-WARBURG SYNDROME OR MUSCLE-EYE BRAIN DISEASE, DAG1-RELATED; Muscular dystrophy-dystroglycanopathy (congenital with brain and eye anomalies), type a, 9. Identifiers: Orphanet 370997, Orphanet 899, MedGen C4225291, MONDO:0014683, OMIM 616538.
Autosomal recessive limb-girdle muscular dystrophy type 2P. Also called: Limb-Girdle Muscular Dystrophy Type 9C; MUSCULAR DYSTROPHY, LIMB-GIRDLE, TYPE 2P; MUSCULAR DYSTROPHY-DYSTROGLYCANOPATHY, LIMB-GIRDLE, DAG1-RELATED. Identifiers: Orphanet 280333, MedGen C4511963, MONDO:0013440, OMIM 613818.

Allele frequency attached by ClinVar (database versions not stated): gnomAD exomes below 0.00001; gnomAD 0.00001; TOPMed 0.00003.
gnomAD v4.1: 4 of 1,613,962 alleles (0.00025%); highest among the groups gnomAD compares: African/African-American, 0.0053%; no homozygotes.

Submissions (2):

Labcorp Genetics (formerly Invitae), Labcorp
Classification: Uncertain significance for Autosomal recessive limb-girdle muscular dystrophy type 2P; Muscular dystrophy-dystroglycanopathy (congenital with brain and eye anomalies), type A9. Last evaluated: 2021-08-30. Review status: criteria provided, single submitter. Criteria: Invitae Variant Classification Sherloc (09022015). Collection method: clinical testing. Allele origin: germline.
Comment: This sequence change replaces valine with alanine at codon 220 of the DAG1 protein (p.Val220Ala). The valine residue is moderately conserved and there is a small physicochemical difference between valine and alanine. This variant is not present in population databases (ExAC no frequency). This variant has not been reported in the literature in individuals affected with DAG1-related conditions. Algorithms developed to predict the effect of missense changes on protein structure and function are either unavailable or do not agree on the potential impact of this missense change (SIFT: "Deleterious"; PolyPhen-2: "Probably Damaging"; Align-GVGD: "Class C0"). In summary, the available evidence is currently insufficient to determine the role of this variant in disease. Therefore, it has been classified as a Variant of Uncertain Significance.

Revvity Omics, Revvity
Classification: Uncertain significance. Last evaluated: 2020-05-20. Review status: criteria provided, single submitter. Criteria: ACMG Guidelines, 2015. Collection method: clinical testing. Allele origin: germline.

NM_004393.6(DAG1):c.659T>C (p.Val220Ala)

Gene: DAG1 (dystroglycan 1; plus strand). Cytogenetic location: 3p21.31.
Variant type: single nucleotide variant.
Coding change: c.659T>C on transcript NM_004393.6 (MANE Select); coding-DNA position 659, T replaced by C.
Protein change: p.Val220Ala; replaces valine 220 with alanine.
Molecular consequence: missense variant.
Genome position (GRCh38, 1-based): chr3:49,531,170, T>C. VCF-style: chr3-49531170-T-C. GRCh37 (hg19) VCF-style: chr3-49568603-T-C.
Other names: c.659T>C (NM_004393.5); c.659T>C, p.Val220Ala (NM_001165928.4, NM_001177634.3, NM_001177635.3 and 9 more transcripts); short protein forms V220A.
Identifiers: ClinVar variation 1053926 (VCV001053926.5), dbSNP rs998718075, ClinGen allele CA74521878.